The following is an entry in ClinVar:

NM_001164508.2(NEB):c.7228-3C>G

Gene: NEB (nebulin; minus strand). Cytogenetic location: 2q23.3.
Variant type: single nucleotide variant.
Coding change: c.7228-3C>G on transcript NM_001164508.2 (MANE Select); 3 bases into the intron before coding-DNA position 7228, C replaced by G.
Molecular consequence: intron variant.
Genome position (GRCh38, 1-based): chr2:151,650,382, G>C on the plus strand (C>G on the coding strand, the complement: NEB is on the minus strand). VCF-style: chr2-151650382-G-C. GRCh37 (hg19) VCF-style: chr2-152506896-G-C.
Other names: c.7228-3C>G (NM_004543.5, NM_001164507.2, NM_001271208.2).
Identifiers: ClinVar variation 1021311 (VCV001021311.8), dbSNP rs577996029, ClinGen allele CA1298281271.

ClinVar aggregate classification (germline): Uncertain significance (1 of 4 stars; one submission).

Conditions:
Nemaline myopathy 2 (NEM2). Also called: Nemaline myopathy 2, autosomal recessive. Identifiers: MedGen C1850569, MONDO:0009725, OMIM 256030.

Submission:

Labcorp Genetics (formerly Invitae), Labcorp
Classification: Uncertain significance for Nemaline myopathy 2. Last evaluated: 2020-10-20. Review status: criteria provided, single submitter. Criteria: Invitae Variant Classification Sherloc (09022015). Collection method: clinical testing. Allele origin: germline.
Comment: In summary, the available evidence is currently insufficient to determine the role of this variant in disease. Therefore, it has been classified as a Variant of Uncertain Significance. Nucleotide substitutions within the consensus splice site are a relatively common cause of aberrant splicing (PMID: 17576681, 9536098). Algorithms developed to predict the effect of sequence changes on RNA splicing suggest that this variant may disrupt the consensus splice site, but this prediction has not been confirmed by published transcriptional studies. This variant has been observed in individual(s) with clinical features of nemaline myopathy (Invitae). This variant is not present in population databases (ExAC no frequency). This sequence change falls in intron 53 of the NEB gene. It does not directly change the encoded amino acid sequence of the NEB protein. It affects a nucleotide within the consensus splice site of the intron.

Literature cited by the submitters: PubMed 17576681; PubMed 9536098.